The following is an entry in ClinVar:

ClinVar aggregate classification (germline): Likely benign (1 of 4 stars; one submission).

gnomAD v4.1: 5 of 1,613,432 alleles (0.00031%); highest among the groups gnomAD compares: Admixed American, 0.0017%; no homozygotes.

Submission:

CeGaT Center for Human Genetics Tuebingen
Classification: Likely benign. Last evaluated: 2025-02-01. Review status: criteria provided, single submitter. Criteria: CeGaT Center For Human Genetics Tuebingen Variant Classification Criteria Version 2. Collection method: clinical testing. Allele origin: germline. Affected: yes. Observed: 1 variant allele.
Comment: CHD7: BP4

NM_017780.4(CHD7):c.509C>A (p.Pro170Gln)

Gene: CHD7 (chromodomain helicase DNA binding protein 7; plus strand). Cytogenetic location: 8q12.2.
Variant type: single nucleotide variant.
Coding change: c.509C>A on transcript NM_017780.4 (MANE Select); coding-DNA position 509, C replaced by A.
Protein change: p.Pro170Gln; replaces proline 170 with glutamine.
Molecular consequence: missense variant.
Genome position (GRCh38, 1-based): chr8:60,741,941, C>A. VCF-style: chr8-60741941-C-A. GRCh37 (hg19) VCF-style: chr8-61654500-C-A.
Other names: c.509C>A, p.Pro170Gln (NM_001316690.1); short protein forms P170Q.
Identifiers: ClinVar variation 3771673 (VCV003771673.13).